The following is an entry in ClinVar:

NM_006389.5(HYOU1):c.2402T>C (p.Leu801Pro)

Gene: HYOU1 (hypoxia up-regulated 1; minus strand). Cytogenetic location: 11q23.3.
Variant type: single nucleotide variant.
Coding change: c.2402T>C on transcript NM_006389.5 (MANE Select); coding-DNA position 2402, T replaced by C.
Protein change: p.Leu801Pro; replaces leucine 801 with proline.
Molecular consequence: missense variant.
Genome position (GRCh38, 1-based): chr11:119,048,055, A>G on the plus strand (T>C on the coding strand, the complement: HYOU1 is on the minus strand). VCF-style: chr11-119048055-A-G. GRCh37 (hg19) VCF-style: chr11-118918767-A-G.
Other names: c.2402T>C, p.Leu801Pro (NM_001130991.3, NM_001411041.1); short protein forms L801P.
Identifiers: ClinVar variation 4036985 (VCV004036985.2).

ClinVar aggregate classification (germline): Uncertain significance. Review status: criteria provided, multiple submitters, no conflicts (2 of 4 stars). 2 submissions from 2 submitters: Uncertain significance (2). Last evaluated 2026-04-23.

gnomAD v4.1: 3 of 1,614,082 alleles (0.00019%); highest among the groups gnomAD compares: Admixed American, 0.005%; no homozygotes.

Submissions (2):

Women's Health and Genetics/Laboratory Corporation of America, LabCorp
Classification: Uncertain significance. Last evaluated: 2026-04-23. Review status: criteria provided, single submitter. Criteria: LabCorp Variant Classification Summary - May 2015. Collection method: clinical testing. Allele origin: germline.
Comment: Variant summary: HYOU1 c.2402T>C (p.Leu801Pro) results in a non-conservative amino acid change in the encoded protein sequence. Algorithms developed to predict the effect of missense changes on protein structure and function are either unavailable or do not agree on the potential impact of this missense change. The variant was absent in 251472 control chromosomes. The available data on variant occurrences in the general population are insufficient to allow any conclusion about variant significance. To our knowledge, no occurrence of c.2402T>C in individuals affected with HYOU1-related conditions and no experimental evidence demonstrating its impact on protein function have been reported. ClinVar contains an entry for this variant (Variation ID: 4036985). Based on the evidence outlined above, the variant was classified as uncertain significance.

Ambry Genetics
Classification: Uncertain significance. Last evaluated: 2025-03-26. Review status: criteria provided, single submitter. Criteria: Ambry Variant Classification Scheme 2023. Collection method: clinical testing. Allele origin: germline.